The following is an entry in ClinVar:

ClinVar aggregate classification (germline): Benign. Review status: criteria provided, multiple submitters, no conflicts (2 of 4 stars). 3 submissions from 3 submitters: Benign (3). Last evaluated 2026-01-24.

Conditions:
Surfactant metabolism dysfunction, pulmonary, 4 (SMDP4). Also called: CSF2RA DEFICIENCY; PAP DUE TO CSF2RA DEFICIENCY; PULMONARY ALVEOLAR PROTEINOSIS, CONGENITAL, 4. Identifiers: Orphanet 264675, MedGen C2677877, MONDO:0010424, OMIM 300770.

Allele frequency attached by ClinVar (database versions not stated): gnomAD exomes 0.00033 and 0.00091; ExAC 0.00103; gnomAD 0.00328 and 0.00349; ESP Exome Variant Server 0.00369; TOPMed 0.00380; 1000 Genomes Project 0.00450; 1000 Genomes Project 30x 0.00499.
gnomAD v4.1: 1,014 of 1,613,988 alleles (0.063%); highest among the groups gnomAD compares: African/African-American, 1.1%; 3 homozygotes.

Submissions (3):

Labcorp Genetics (formerly Invitae), Labcorp
Classification: Benign for Surfactant metabolism dysfunction, pulmonary, 4. Last evaluated: 2026-01-24. Review status: criteria provided, single submitter. Criteria: Invitae Variant Classification Sherloc (09022015). Collection method: clinical testing. Allele origin: germline.

Blueprint Genetics
Classification: Benign. Last evaluated: 2024-11-22. Review status: criteria provided, single submitter. Criteria: ACMG Guidelines, 2015. Collection method: clinical testing. Allele origin: germline.

Laboratory for Molecular Medicine, Mass General Brigham Personalized Medicine
Classification: Benign. Last evaluated: 2013-02-21. Review status: criteria provided, single submitter. Criteria: LMM Criteria. Collection method: clinical testing. Allele origin: germline. Observed: 1 variant allele.
Comment: Thr100Thr in exon 6 of CSF2RA: This variant is not expected to have clinical sig nificance because it does not alter an amino acid residue and is not located wit hin the splice consensus sequence. It has been identified in 1.1% (48/4406) of A frican American chromosomes from a broad population by the NHLBI Exome Sequencin g Project (dbSNP rs144521208).

NM_172245.4(CSF2RA):c.300T>C (p.Thr100=)

Gene: CSF2RA (colony stimulating factor 2 receptor subunit alpha; plus strand). Cytogenetic location: Xp22.33.
Variant type: single nucleotide variant.
Coding change: c.300T>C on transcript NM_172245.4 (MANE Select); coding-DNA position 300, T replaced by C.
Protein change: p.Thr100=; no amino-acid change (threonine 100 retained).
Molecular consequence: synonymous variant. On other transcripts: 5 prime UTR variant (1), non-coding transcript variant (1).
Genome position (GRCh38, 1-based): chrX:1,288,599, T>C. VCF-style: chrX-1288599-T-C. GRCh37 (hg19) VCF-style: chrX-1407492-T-C.
Other names: c.300T>C, p.Thr100= (NM_001161529.2, NM_001161530.2, NM_001161531.2 and 20 more transcripts); c.-100T>C (NM_001161532.2).
Identifiers: ClinVar variation 226541 (VCV000226541.16), dbSNP rs144521208, ClinGen allele CA10330749.